The following is an entry in ClinVar:

ClinVar aggregate classification (germline): Uncertain significance (1 of 4 stars; one submission).

Submission:

Women's Health and Genetics/Laboratory Corporation of America, LabCorp
Classification: Uncertain significance. Last evaluated: 2026-05-01. Review status: criteria provided, single submitter. Criteria: LabCorp Variant Classification Summary - May 2015. Collection method: clinical testing. Allele origin: germline.
Comment: Variant summary: The variant involves the duplication of exons 1-9 in the RETREG1 gene. A presumed nomenclature of c.(?_-27)_(*1689_?)dup has been designated for the purposes of this classification. This duplication includes the entire coding sequence of the gene. As exact breakpoints are unknown, it may extend beyond the annotated region of the gene, to include other flanking genes. The variant was absent in 21688 control chromosomes. The available data on variant occurrences in the general population are insufficient to allow any conclusion about variant significance. To our knowledge, no occurrence of c.(?_-27)_(*1689_?)dup in individuals affected with RETREG1-related conditions and no experimental evidence demonstrating its impact on protein function have been reported. No submitters have cited clinical-significance assessments for this variant to ClinVar. Based on the evidence outlined above, the variant was classified as uncertain significance.

NC_000005.9:g.(?_16473161)_(16617107_?)dup

Gene: RETREG1 (reticulophagy regulator 1; minus strand). Cytogenetic location: 5p15.1.
Variant type: Duplication.
Identifiers: ClinVar variation 4853629 (VCV004853629.1).